The following is an entry in ClinVar:

ClinVar aggregate classification (germline): Likely benign. Review status: criteria provided, multiple submitters, no conflicts (2 of 4 stars). 2 submissions from 2 submitters: Likely benign (2). Last evaluated 2025-09-26.

Conditions:
Hereditary spastic paraplegia 49 (HSAN9). Also called: Spastic paraplegia 49, autosomal recessive; TECPR2-Related Hereditary Sensory and Autonomic Neuropathy with Intellectual Disability; NEUROPATHY, HEREDITARY SENSORY AND AUTONOMIC, TYPE IX, WITH DEVELOPMENTAL DELAY. Identifiers: Orphanet 320385, MedGen C5190860, MONDO:0014016, OMIM 615031.

Allele frequency attached by ClinVar (database versions not stated): TOPMed 0.00001; ExAC 0.00003; gnomAD exomes 0.00003.

Submissions (2):

Labcorp Genetics (formerly Invitae), Labcorp
Classification: Likely benign for Hereditary spastic paraplegia 49. Last evaluated: 2025-09-26. Review status: criteria provided, single submitter. Criteria: Invitae Variant Classification Sherloc (09022015). Collection method: clinical testing. Allele origin: germline.

CeGaT Center for Human Genetics Tuebingen
Classification: Likely benign. Last evaluated: 2022-07-01. Review status: criteria provided, single submitter. Criteria: CeGaT Center For Human Genetics Tuebingen Variant Classification Criteria Version 2. Collection method: clinical testing. Allele origin: germline. Affected: yes. Observed: 1 variant allele.
Comment: TECPR2: BP4, BP7

NM_014844.5(TECPR2):c.3204G>A (p.Ala1068=)

Gene: TECPR2 (tectonin beta-propeller repeat containing 2; plus strand). Cytogenetic location: 14q32.31.
Variant type: single nucleotide variant.
Coding change: c.3204G>A on transcript NM_014844.5 (MANE Select); coding-DNA position 3204, G replaced by A.
Protein change: p.Ala1068=; no amino-acid change (alanine 1068 retained).
Molecular consequence: synonymous variant.
Genome position (GRCh38, 1-based): chr14:102,449,757, G>A. VCF-style: chr14-102449757-G-A. GRCh37 (hg19) VCF-style: chr14-102916094-G-A.
Other names: c.3204G>A, p.Ala1068= (NM_001172631.3).
Identifiers: ClinVar variation 697526 (VCV000697526.40), dbSNP rs774882832, ClinGen allele CA7358159.